The following is an entry in ClinVar:

ClinVar aggregate classification (germline): Uncertain significance (1 of 4 stars; one submission).

gnomAD v4.1: 4 of 1,600,456 alleles (0.00025%); highest among the groups gnomAD compares: African/African-American, 0.0027%; no homozygotes.

Submission:

Women's Health and Genetics/Laboratory Corporation of America, LabCorp
Classification: Uncertain significance. Last evaluated: 2024-12-17. Review status: criteria provided, single submitter. Criteria: LabCorp Variant Classification Summary - May 2015. Collection method: clinical testing. Allele origin: germline.
Comment: Variant summary: OSBPL2 c.492-8T>C alters a non-conserved nucleotide located close to a canonical splice site and therefore could affect mRNA splicing, leading to a significantly altered protein sequence. Consensus agreement among computation tools predict no significant impact on normal splicing. However, these predictions have yet to be confirmed by functional studies. The variant was absent in 244622 control chromosomes. The available data on variant occurrences in the general population are insufficient to allow any conclusion about variant significance. To our knowledge, no occurrence of c.492-8T>C in individuals affected with Deafness, Autosomal Dominant 67 and no experimental evidence demonstrating its impact on protein function have been reported. No submitters have cited clinical-significance assessments for this variant to ClinVar. Based on the evidence outlined above, the variant was classified as uncertain significance.

NM_144498.4(OSBPL2):c.492-8T>C

Gene: OSBPL2 (oxysterol binding protein like 2; plus strand). Cytogenetic location: 20q13.33.
Variant type: single nucleotide variant.
Coding change: c.492-8T>C on transcript NM_144498.4 (MANE Select); 8 bases into the intron before coding-DNA position 492, T replaced by C.
Molecular consequence: intron variant.
Genome position (GRCh38, 1-based): chr20:62,279,149, T>C. VCF-style: chr20-62279149-T-C. GRCh37 (hg19) VCF-style: chr20-60854205-T-C.
Other names: c.216-8T>C (NM_001363878.2, NM_001278649.3); c.456-8T>C (NM_014835.5).
Identifiers: ClinVar variation 3768556 (VCV003768556.1).